The following is an entry in ClinVar:

NM_021830.5(TWNK):c.1813G>A (p.Val605Met)

Gene: TWNK (twinkle mtDNA helicase; plus strand). Cytogenetic location: 10q24.31.
Variant type: single nucleotide variant.
Coding change: c.1813G>A on transcript NM_021830.5 (MANE Select); coding-DNA position 1813, G replaced by A.
Protein change: p.Val605Met; replaces valine 605 with methionine.
Molecular consequence: missense variant. On other transcripts: non-coding transcript variant (5), 3 prime UTR variant (2).
Genome position (GRCh38, 1-based): chr10:100,993,268, G>A. VCF-style: chr10-100993268-G-A. GRCh37 (hg19) VCF-style: chr10-102753025-G-A.
Other names: c.451G>A, p.Val151Met (NM_001368275.1, NM_001163813.2); c.*108G>A (NM_001163812.2, NM_001163814.2); short protein forms V151M, V605M.
Identifiers: ClinVar variation 3646428 (VCV003646428.2).

ClinVar aggregate classification (germline): Uncertain significance (1 of 4 stars; one submission).

gnomAD v4.1: 1 of 1,614,106 alleles (0.000062%); highest among the groups gnomAD compares: African/African-American, 0.0013%; no homozygotes.

Submission:

Labcorp Genetics (formerly Invitae), Labcorp
Classification: Uncertain significance. Last evaluated: 2025-01-27. Review status: criteria provided, single submitter. Criteria: Invitae Variant Classification Sherloc (09022015). Collection method: clinical testing. Allele origin: germline.
Comment: This sequence change replaces valine, which is neutral and non-polar, with methionine, which is neutral and non-polar, at codon 605 of the TWNK protein (p.Val605Met). This variant is not present in population databases (gnomAD no frequency). This variant has not been reported in the literature in individuals affected with TWNK-related conditions. Invitae Evidence Modeling of protein sequence and biophysical properties (such as structural, functional, and spatial information, amino acid conservation, physicochemical variation, residue mobility, and thermodynamic stability) indicates that this missense variant is expected to disrupt TWNK protein function with a positive predictive value of 95%. In summary, the available evidence is currently insufficient to determine the role of this variant in disease. Therefore, it has been classified as a Variant of Uncertain Significance.